The following is an entry in ClinVar:

NM_001267550.2(TTN):c.71679T>G (p.Asp23893Glu)

Genes: TTN (titin; minus strand), TTN-AS1 (TTN antisense RNA 1; plus strand). Cytogenetic location: 2q31.2.
Variant type: single nucleotide variant.
Coding change: c.71679T>G on transcript NM_001267550.2 (MANE Select); coding-DNA position 71679, T replaced by G.
Protein change: p.Asp23893Glu; replaces aspartic acid 23893 with glutamic acid.
Molecular consequence: missense variant.
Genome position (GRCh38, 1-based): chr2:178,574,453, A>C on the plus strand (T>G on the coding strand, the complement: TTN is on the minus strand). VCF-style: chr2-178574453-A-C. GRCh37 (hg19) VCF-style: chr2-179439180-A-C.
Other names: c.66756T>G, p.Asp22252Glu (NM_001256850.1); c.44484T>G, p.Asp14828Glu (NM_003319.4); c.63975T>G, p.Asp21325Glu (NM_133378.4); c.44859T>G, p.Asp14953Glu (NM_133432.3); c.45060T>G, p.Asp15020Glu (NM_133437.4); short protein forms D14953E, D21325E, D22252E, D23893E, D14828E, D15020E.
Identifiers: ClinVar variation 1740655 (VCV001740655.2), dbSNP rs777818650, ClinGen allele CA349651694.

ClinVar aggregate classification (germline): Uncertain significance (1 of 4 stars; one submission).

Conditions:
Cardiovascular phenotype. Identifiers: MedGen CN230736.

Allele frequency attached by ClinVar (database versions not stated): TOPMed below 0.00001; gnomAD 0.00001.
gnomAD v4.1: 17 of 1,613,492 alleles (0.0011%); highest among the groups gnomAD compares: Non-Finnish European, 0.0014%; no homozygotes.

Submission:

Ambry Genetics
Classification: Uncertain significance for Cardiovascular phenotype. Last evaluated: 2019-01-28. Review status: criteria provided, single submitter. Criteria: Ambry Variant Classification Scheme 2023. Collection method: clinical testing. Allele origin: germline.
Comment: The p.D14828E variant (also known as c.44484T>G), located in coding exon 153 of the TTN gene, results from a T to G substitution at nucleotide position 44484. The aspartic acid at codon 14828 is replaced by glutamic acid, an amino acid with highly similar properties. This amino acid position is highly conserved in available vertebrate species. In addition, this alteration is predicted to be benign and unknown by PolyPhen and SIFT in silico analyses, respectively. Since supporting evidence is limited at this time, the clinical significance of this alteration remains unclear.